The following is an entry in ClinVar:

ClinVar aggregate classification (germline): Uncertain significance. Review status: criteria provided, multiple submitters, no conflicts (2 of 4 stars). 2 submissions from 2 submitters: Uncertain significance (2). Last evaluated 2025-08-08.

Conditions:
Hereditary cancer-predisposing syndrome. Also called: Neoplastic Syndromes, Hereditary; Hereditary Cancer Syndrome; Tumor predisposition; Hereditary neoplastic syndrome. Identifiers: Orphanet 140162, MedGen C0027672, MeSH D009386, MONDO:0015356.

Submissions (2):

Ambry Genetics
Classification: Uncertain significance for Hereditary cancer-predisposing syndrome. Last evaluated: 2025-08-08. Review status: criteria provided, single submitter. Criteria: Ambry Variant Classification Scheme 2023. Collection method: clinical testing. Allele origin: germline.
Comment: The p.P2282R variant (also known as c.6845C>G), located in coding exon 49 of the POLE gene, results from a C to G substitution at nucleotide position 6845. The proline at codon 2282 is replaced by arginine, an amino acid with dissimilar properties. This amino acid position is conserved. In addition, this alteration is predicted to be tolerated by in silico analysis. Since supporting evidence is limited at this time, the clinical significance of this alteration remains unclear.

Labcorp Genetics (formerly Invitae), Labcorp
Classification: Uncertain significance. Last evaluated: 2025-01-21. Review status: criteria provided, single submitter. Criteria: Invitae Variant Classification Sherloc (09022015). Collection method: clinical testing. Allele origin: germline.
Comment: This sequence change replaces proline, which is neutral and non-polar, with arginine, which is basic and polar, at codon 2282 of the POLE protein (p.Pro2282Arg). This variant is not present in population databases (gnomAD no frequency). This variant has not been reported in the literature in individuals affected with POLE-related conditions. ClinVar contains an entry for this variant (Variation ID: 971399). An algorithm developed to predict the effect of missense changes on protein structure and function (PolyPhen-2) suggests that this variant is likely to be disruptive. In summary, the available evidence is currently insufficient to determine the role of this variant in disease. Therefore, it has been classified as a Variant of Uncertain Significance.

NM_006231.4(POLE):c.6845C>G (p.Pro2282Arg)

Gene: POLE (DNA polymerase epsilon, catalytic subunit; minus strand). Cytogenetic location: 12q24.33.
Variant type: single nucleotide variant.
Coding change: c.6845C>G on transcript NM_006231.4 (MANE Select); coding-DNA position 6845, C replaced by G.
Protein change: p.Pro2282Arg; replaces proline 2282 with arginine.
Molecular consequence: missense variant.
Genome position (GRCh38, 1-based): chr12:132,624,713, G>C on the plus strand (C>G on the coding strand, the complement: POLE is on the minus strand). VCF-style: chr12-132624713-G-C. GRCh37 (hg19) VCF-style: chr12-133201299-G-C.
Other names: c.6845C>G (NM_006231.2); short protein forms P2282R.
Identifiers: ClinVar variation 971399 (VCV000971399.10), dbSNP rs1555300711, ClinGen allele CA387365588.